The following is an entry in ClinVar:

NM_000719.7(CACNA1C):c.4717A>G (p.Lys1573Glu)

Genes: CACNA1C (calcium voltage-gated channel subunit alpha1 C; plus strand), CACNA1C-AS2 (CACNA1C antisense RNA 2; minus strand). Cytogenetic location: 12p13.33.
Variant type: single nucleotide variant.
Coding change: c.4717A>G on transcript NM_000719.7 (MANE Select); coding-DNA position 4717, A replaced by G.
Protein change: p.Lys1573Glu; replaces lysine 1573 with glutamic acid.
Molecular consequence: missense variant.
Genome position (GRCh38, 1-based): chr12:2,669,026, A>G. VCF-style: chr12-2669026-A-G. GRCh37 (hg19) VCF-style: chr12-2778192-A-G.
Other names: c.4861A>G, p.Lys1621Glu (NM_001129827.2, NM_199460.4); c.4783A>G, p.Lys1595Glu (NM_001129829.2); c.4717A>G, p.Lys1573Glu (NM_001129830.3, NM_001129833.2, NM_001129834.2 and 7 more transcripts); c.4801A>G, p.Lys1601Glu (NM_001129831.2); c.4777A>G, p.Lys1593Glu (NM_001129832.2); c.4768A>G, p.Lys1590Glu (NM_001129836.2); c.4684A>G, p.Lys1562Glu (NM_001129837.2, NM_001129838.2, NM_001129846.2 and 1 more transcripts); c.4678A>G, p.Lys1560Glu (NM_001129839.2); and 1 more; short protein forms K1562E, K1590E, K1601E, K1595E, K1621E, K1573E, K1593E, K1560E.
Identifiers: ClinVar variation 3718525 (VCV003718525.2).

ClinVar aggregate classification (germline): Uncertain significance (1 of 4 stars; one submission).

Conditions:
Long QT syndrome (LQTS). Identifiers: MedGen C0023976, MeSH D008133, MONDO:0002442. Disease mechanism: loss of function. Inheritance: Various modes of inheritance.

gnomAD v4.1: 1 of 1,611,850 alleles (0.000062%); highest among the groups gnomAD compares: Non-Finnish European, 0.000085%; no homozygotes.

Submission:

Labcorp Genetics (formerly Invitae), Labcorp
Classification: Uncertain significance for Long QT syndrome. Last evaluated: 2025-06-11. Review status: criteria provided, single submitter. Criteria: Invitae Variant Classification Sherloc (09022015). Collection method: clinical testing. Allele origin: germline.
Comment: This sequence change replaces lysine, which is basic and polar, with glutamic acid, which is acidic and polar, at codon 1573 of the CACNA1C protein (p.Lys1573Glu). This variant is present in population databases (rs758023477, gnomAD 0.007%). This variant has not been reported in the literature in individuals affected with CACNA1C-related conditions. ClinVar contains an entry for this variant (Variation ID: 3718525). Invitae Evidence Modeling of protein sequence and biophysical properties (such as structural, functional, and spatial information, amino acid conservation, physicochemical variation, residue mobility, and thermodynamic stability) indicates that this missense variant is expected to disrupt CACNA1C protein function with a positive predictive value of 95%. In summary, the available evidence is currently insufficient to determine the role of this variant in disease. Therefore, it has been classified as a Variant of Uncertain Significance.